The following is an entry in ClinVar:

ClinVar aggregate classification (germline): Uncertain significance (1 of 4 stars; one submission).

Allele frequency attached by ClinVar (database versions not stated): gnomAD 0.00001; TOPMed 0.00001.

Submission:

Labcorp Genetics (formerly Invitae), Labcorp
Classification: Uncertain significance. Last evaluated: 2022-09-01. Review status: criteria provided, single submitter. Criteria: Invitae Variant Classification Sherloc (09022015). Collection method: clinical testing. Allele origin: germline.
Comment: In summary, the available evidence is currently insufficient to determine the role of this variant in disease. Therefore, it has been classified as a Variant of Uncertain Significance. Advanced modeling of protein sequence and biophysical properties (such as structural, functional, and spatial information, amino acid conservation, physicochemical variation, residue mobility, and thermodynamic stability) performed at Invitae indicates that this missense variant is not expected to disrupt CACNA1B protein function. ClinVar contains an entry for this variant (Variation ID: 1392872). This variant has not been reported in the literature in individuals affected with CACNA1B-related conditions. This variant is not present in population databases (gnomAD no frequency). This sequence change replaces threonine, which is neutral and polar, with alanine, which is neutral and non-polar, at codon 1036 of the CACNA1B protein (p.Thr1036Ala).

NM_000718.4(CACNA1B):c.3106A>G (p.Thr1036Ala)

Gene: CACNA1B (calcium voltage-gated channel subunit alpha1 B; plus strand). Cytogenetic location: 9q34.3.
Variant type: single nucleotide variant.
Coding change: c.3106A>G on transcript NM_000718.4 (MANE Select); coding-DNA position 3106, A replaced by G.
Protein change: p.Thr1036Ala; replaces threonine 1036 with alanine.
Molecular consequence: missense variant.
Genome position (GRCh38, 1-based): chr9:138,024,992, A>G. VCF-style: chr9-138024992-A-G. GRCh37 (hg19) VCF-style: chr9-140919444-A-G.
Other names: c.3106A>G, p.Thr1036Ala (NM_001243812.2); short protein forms T1036A.
Identifiers: ClinVar variation 1392872 (VCV001392872.6), dbSNP rs1958902696, ClinGen allele CA375810839.